The following is an entry in ClinVar:

ClinVar aggregate classification (germline): Uncertain significance (1 of 4 stars; one submission).

Conditions:
Ullrich congenital muscular dystrophy 2 (UCMD2). Identifiers: Orphanet 75840, MedGen C4225314, MONDO:0014654, OMIM 616470.
Bethlem myopathy 2 (BTHLM2). Identifiers: Orphanet 536516, Orphanet 610, MedGen C4225313, MONDO:0034022, OMIM 616471.

Allele frequency attached by ClinVar (database versions not stated): TOPMed below 0.00001; gnomAD 0.00001.
gnomAD v4.1: 5 of 1,613,746 alleles (0.00031%); highest among the groups gnomAD compares: Non-Finnish European, 0.00042%; no homozygotes.

Submission:

Labcorp Genetics (formerly Invitae), Labcorp
Classification: Uncertain significance for Bethlem myopathy 2; Ullrich congenital muscular dystrophy 2. Last evaluated: 2021-05-19. Review status: criteria provided, single submitter. Criteria: Invitae Variant Classification Sherloc (09022015). Collection method: clinical testing. Allele origin: germline.
Comment: In summary, the available evidence is currently insufficient to determine the role of this variant in disease. Therefore, it has been classified as a Variant of Uncertain Significance. Algorithms developed to predict the effect of missense changes on protein structure and function are either unavailable or do not agree on the potential impact of this missense change (SIFT: "Deleterious"; PolyPhen-2: "Probably Damaging"; Align-GVGD: "Class C0"). This variant has not been reported in the literature in individuals with COL12A1-related conditions. This variant is not present in population databases (ExAC no frequency). This sequence change replaces methionine with threonine at codon 2904 of the COL12A1 protein (p.Met2904Thr). The methionine residue is highly conserved and there is a moderate physicochemical difference between methionine and threonine.

NM_004370.6(COL12A1):c.8711T>C (p.Met2904Thr)

Gene: COL12A1 (collagen type XII alpha 1 chain; minus strand). Cytogenetic location: 6q13.
Variant type: single nucleotide variant.
Coding change: c.8711T>C on transcript NM_004370.6 (MANE Select); coding-DNA position 8711, T replaced by C.
Protein change: p.Met2904Thr; replaces methionine 2904 with threonine.
Molecular consequence: missense variant.
Genome position (GRCh38, 1-based): chr6:75,091,364, A>G on the plus strand (T>C on the coding strand, the complement: COL12A1 is on the minus strand). VCF-style: chr6-75091364-A-G. GRCh37 (hg19) VCF-style: chr6-75801080-A-G.
Other names: c.5219T>C, p.Met1740Thr (NM_080645.3); short protein forms M1740T, M2904T.
Identifiers: ClinVar variation 1355226 (VCV001355226.8), dbSNP rs1427337137, ClinGen allele CA364735835.
Genomic context (GRCh38, chr6:75,091,364, plus strand): 5'-AAAAGAAAAGAAATTTTACCACTTATCAATTGTTCACAGACTTGTCTTGCAACTGCTCGC[A>G]TCATGTTCTGGGAAGCAATGTCTCCCTTGTTGAATTAATGAGAATGATTAGCATATTAGT-3'
Protein context (NP_004361.3, residues 2894-2914): DRGDIASQNM[Met2904Thr]RAVARQVCEQ